The following is an entry in ClinVar:

NM_000702.4(ATP1A2):c.1714G>A (p.Glu572Lys)

Gene: ATP1A2 (ATPase Na+/K+ transporting subunit alpha 2; plus strand). Cytogenetic location: 1q23.2.
Variant type: single nucleotide variant.
Coding change: c.1714G>A on transcript NM_000702.4 (MANE Select); coding-DNA position 1714, G replaced by A.
Protein change: p.Glu572Lys; replaces glutamic acid 572 with lysine.
Molecular consequence: missense variant.
Genome position (GRCh38, 1-based): chr1:160,130,484, G>A. VCF-style: chr1-160130484-G-A. GRCh37 (hg19) VCF-style: chr1-160100274-G-A.
Other names: short protein forms E572K.
Identifiers: ClinVar variation 451044 (VCV000451044.3), dbSNP rs1553245166, ClinGen allele CA343244200.
Genomic context (GRCh38, chr1:160,130,484, plus strand): 5'-TTCTGTCAACTGAATCTGCCATCTGGAAAGTTTCCTCGGGGCTTCAAATTCGACACGGAT[G>A]AGCTGAACTTTCCCACGGAGAAGCTTTGCTTTGTGGGGCTCATGTCTATGATTGACCCTC-3'
Protein context (NP_000693.1, residues 562-582): FPRGFKFDTD[Glu572Lys]LNFPTEKLCF

ClinVar aggregate classification (germline): Uncertain significance. Review status: criteria provided, multiple submitters, no conflicts (2 of 4 stars). 2 submissions from 2 submitters: Uncertain significance (2). Last evaluated 2023-07-24.

Conditions:
ATP1A2-associated neurological disorder.

Submissions (2):

Illumina Laboratory Services, Illumina
Classification: Uncertain significance for ATP1A2-associated neurological disorder. Last evaluated: 2023-07-24. Review status: criteria provided, single submitter. Criteria: ICSLVariantClassificationCriteria RUGD 01 April 2020. Collection method: clinical testing. Allele origin: unknown.
Comment: The ATP1A2 c.1714G>A, p.(Glu572Lys) missense variant has not, to our knowledge, been reported in the peer-reviewed literature. This variant is not observed in version 2.1.1 or version 3.1.2 of the Genome Aggregation Database. Based on the available evidence, the c.1714G>A, p.(Glu572Lys) variant is classified as a variant of uncertain significance for ATP1A2-associated neurological disorder.

GeneDx
Classification: Uncertain significance. Last evaluated: 2017-07-31. Review status: criteria provided, single submitter. Criteria: GeneDx Variant Classification (06012015). Collection method: clinical testing. Allele origin: germline. Affected: yes.
Comment: The E572K variant has not been published as a pathogenic variant, nor has it been reported as a benign variant to our knowledge. The E572K variant is not observed in large population cohorts (Lek et al., 2016; 1000 Genomes Consortium et al., 2015; Exome Variant Server). The E572K variant is a non-conservative amino acid substitution, which is likely to impact secondary protein structure as these residues differ in polarity, charge, size and/or other properties. This substitution occurs at a position that is conserved across species. In silico analysis is inconsistent in its predictions as to whether or not the variant is damaging to the protein structure/function. Therefore, based on the currently available information, it is unclear whether this variant is a pathogenic variant or a rare benign variant.